The following is an entry in ClinVar:

ClinVar aggregate classification (germline): Uncertain significance. Review status: criteria provided, multiple submitters, no conflicts (2 of 4 stars). 3 submissions from 3 submitters: Uncertain significance (3). Last evaluated 2025-09-16.

Conditions:
Hereditary cancer-predisposing syndrome. Also called: Hereditary neoplastic syndrome; Neoplastic Syndromes, Hereditary; Tumor predisposition; Hereditary Cancer Syndrome. Identifiers: Orphanet 140162, MedGen C0027672, MeSH D009386, MONDO:0015356.
Ataxia-telangiectasia syndrome (AT). Also called: Ataxia telangiectasia (A-T); LOUIS-BAR SYNDROME; Cerebello-oculocutaneous telangiectasia; Immunodeficiency with ataxia telangiectasia; Ataxia-telangiectasia, complementation group D; AT, COMPLEMENTATION GROUP C. Identifiers: Orphanet 100, MedGen C0004135, MONDO:0008840, OMIM 208900.

gnomAD v4.1: 1 of 1,613,074 alleles (0.000062%); highest among the groups gnomAD compares: Non-Finnish European, 0.000085%; no homozygotes.

Submissions (3):

Ambry Genetics
Classification: Uncertain significance for Hereditary cancer-predisposing syndrome. Last evaluated: 2025-09-16. Review status: criteria provided, single submitter. Criteria: Ambry Variant Classification Scheme 2023. Collection method: clinical testing. Allele origin: germline.
Comment: The p.Y1124C variant (also known as c.3371A>G), located in coding exon 22 of the ATM gene, results from an A to G substitution at nucleotide position 3371. The tyrosine at codon 1124 is replaced by cysteine, an amino acid with highly dissimilar properties. This amino acid position is well conserved in available vertebrate species. In addition, the in silico prediction for this alteration is inconclusive. Based on the available evidence, the clinical significance of this variant remains unclear.

Color Diagnostics, LLC DBA Color Health
Classification: Uncertain significance for Hereditary cancer-predisposing syndrome. Last evaluated: 2023-12-04. Review status: criteria provided, single submitter. Criteria: ACMG Guidelines, 2015. Collection method: clinical testing. Allele origin: germline.
Comment: This missense variant replaces tyrosine with cysteine at codon 1124 of the ATM protein. Computational prediction suggests that this variant may not impact protein structure and function (internally defined REVEL score threshold <= 0.5, PMID: 27666373). To our knowledge, functional studies have not been reported for this variant. This variant has not been reported in individuals affected with ATM-related disorders in the literature. This variant has not been identified in the general population by the Genome Aggregation Database (gnomAD). The available evidence is insufficient to determine the role of this variant in disease conclusively. Therefore, this variant is classified as a Variant of Uncertain Significance.

Labcorp Genetics (formerly Invitae), Labcorp
Classification: Uncertain significance for Ataxia-telangiectasia syndrome. Last evaluated: 2022-05-29. Review status: criteria provided, single submitter. Criteria: Invitae Variant Classification Sherloc (09022015). Collection method: clinical testing. Allele origin: germline.
Comment: ClinVar contains an entry for this variant (Variation ID: 407736). This variant has not been reported in the literature in individuals affected with ATM-related conditions. This variant is not present in population databases (gnomAD no frequency). This sequence change replaces tyrosine, which is neutral and polar, with cysteine, which is neutral and slightly polar, at codon 1124 of the ATM protein (p.Tyr1124Cys). Advanced modeling of protein sequence and biophysical properties (such as structural, functional, and spatial information, amino acid conservation, physicochemical variation, residue mobility, and thermodynamic stability) performed at Invitae indicates that this missense variant is not expected to disrupt ATM protein function. In summary, the available evidence is currently insufficient to determine the role of this variant in disease. Therefore, it has been classified as a Variant of Uncertain Significance.

NM_000051.4(ATM):c.3371A>G (p.Tyr1124Cys)

Gene: ATM (ATM serine/threonine kinase; plus strand). Cytogenetic location: 11q22.3.
Variant type: single nucleotide variant.
Coding change: c.3371A>G on transcript NM_000051.4 (MANE Select); coding-DNA position 3371, A replaced by G.
Protein change: p.Tyr1124Cys; replaces tyrosine 1124 with cysteine.
Molecular consequence: missense variant.
Genome position (GRCh38, 1-based): chr11:108,279,577, A>G. VCF-style: chr11-108279577-A-G. GRCh37 (hg19) VCF-style: chr11-108150304-A-G.
Other names: c.3371A>G, p.Tyr1124Cys (NM_001351834.2); short protein forms Y1124C.
Identifiers: ClinVar variation 407736 (VCV000407736.16), dbSNP rs876660498, ClinGen allele CA16613327.
Genomic context (GRCh38, chr11:108,279,577, plus strand): 5'-CTTCCAGGTTACTGAAAGCACTTCCTTTGAAGCTTCAGCAAACAGCTTTTGAAAATGCAT[A>G]CTTGAAAGCTCAGGAAGGAATGAGAGAAATGGTAATTTTAAGTAACATGTATTTGCTGTT-3'
Protein context (NP_000042.3, residues 1114-1134): KLQQTAFENA[Tyr1124Cys]LKAQEGMREM